The following is an entry in ClinVar:

NM_001036.6(RYR3):c.137G>A (p.Arg46His)

Gene: RYR3 (ryanodine receptor 3; plus strand). Cytogenetic location: 15q14.
Variant type: single nucleotide variant.
Coding change: c.137G>A on transcript NM_001036.6 (MANE Select); coding-DNA position 137, G replaced by A.
Protein change: p.Arg46His; replaces arginine 46 with histidine.
Molecular consequence: missense variant.
Genome position (GRCh38, 1-based): chr15:33,473,504, G>A. VCF-style: chr15-33473504-G-A. GRCh37 (hg19) VCF-style: chr15-33765705-G-A.
Other names: c.137G>A, p.Arg46His (NM_001243996.4); short protein forms R46H.
Identifiers: ClinVar variation 1395319 (VCV001395319.10), dbSNP rs774050928, ClinGen allele CA7457702.

ClinVar aggregate classification (germline): Uncertain significance. Review status: criteria provided, multiple submitters, no conflicts (2 of 4 stars). 2 submissions from 2 submitters: Uncertain significance (2). Last evaluated 2024-02-02.

Conditions:
Epileptic encephalopathy. Identifiers: MedGen C0543888, HP:0200134.

Allele frequency attached by ClinVar (database versions not stated): gnomAD 0.00001; gnomAD exomes 0.00001 and 0.00002; TOPMed 0.00001; ExAC 0.00002.
gnomAD v4.1: 10 of 1,613,860 alleles (0.00062%); highest among the groups gnomAD compares: Admixed American, 0.005%; no homozygotes.

Submissions (2):

Women's Health and Genetics/Laboratory Corporation of America, LabCorp
Classification: Uncertain significance. Last evaluated: 2024-02-02. Review status: criteria provided, single submitter. Criteria: LabCorp Variant Classification Summary - May 2015. Collection method: clinical testing. Allele origin: germline.
Comment: Variant summary: RYR3 c.137G>A (p.Arg46His) results in a non-conservative amino acid change located in the Inositol 1,4,5-trisphosphate/ryanodine receptor (IPR014821) of the encoded protein sequence. Four of four in-silico tools predict a damaging effect of the variant on protein function. The variant allele was found at a frequency of 2e-05 in 249248 control chromosomes. The available data on variant occurrences in the general population are insufficient to allow any conclusion about variant significance. To our knowledge, no occurrence of c.137G>A in individuals affected with Congenital Myopathy 20 and no experimental evidence demonstrating its impact on protein function have been reported. ClinVar contains an entry for this variant (Variation ID: 1395319). Based on the evidence outlined above, the variant was classified as uncertain significance.

Labcorp Genetics (formerly Invitae), Labcorp
Classification: Uncertain significance for Epileptic encephalopathy. Last evaluated: 2020-11-03. Review status: criteria provided, single submitter. Criteria: Invitae Variant Classification Sherloc (09022015). Collection method: clinical testing. Allele origin: germline.
Comment: This sequence change replaces arginine with histidine at codon 46 of the RYR3 protein (p.Arg46His). The arginine residue is moderately conserved and there is a small physicochemical difference between arginine and histidine. This variant is present in population databases (rs774050928, ExAC 0.009%). This variant has not been reported in the literature in individuals with RYR3-related conditions. Algorithms developed to predict the effect of missense changes on protein structure and function are either unavailable or do not agree on the potential impact of this missense change (SIFT: "Deleterious"; PolyPhen-2: "Probably Damaging"; Align-GVGD: "Class C0"). In summary, the available evidence is currently insufficient to determine the role of this variant in disease. Therefore, it has been classified as a Variant of Uncertain Significance.